The following is an entry in ClinVar:

ClinVar aggregate classification (germline): Pathogenic (0 of 4 stars; one submission).

Submission:

ISCA site 15
Classification: Pathogenic. Last evaluated: 2011-08-11. Review status: no assertion criteria provided. Collection method: clinical testing. Allele origin: unknown. Affected: yes. Observed: 1 variant allele.
Comment: Copy number variation identified through the course of routine clinical cytogenomic testing in postnatal populations. Clinical assertions have been curated as described in Kaminsky et al. 2011.

Copy number variation identified through the course of routine clinical cytogenomic testing in postnatal populations. Clinical assertions have been curated as described in Kaminsky, et al. 2011 (PubMed 21844811). For additional ClinGen data, please see nstd37.

GRCh38/hg38 5q35.2-35.3(chr5:176149599-177716401)x3

Genes: MIR1271 (microRNA 1271; plus strand), MIR4281 (microRNA 4281; minus strand), MXD3 (MAX dimerization protein 3; minus strand), NOP16 (NOP16 nucleolar protein; minus strand), NSD1 (nuclear receptor binding SET domain protein 1; plus strand) and 135 more. Cytogenetic location: 5q35.2-35.3.
Variant type: copy number gain.
Change: copy number 3 (three copies instead of two) of chr5:176,149,599-177,716,401 (1.57 Mb, GRCh38 coordinates, 1-based), cytogenetic band 5q35.2-35.3.
Identifiers: ClinVar variation 59634 (VCV000059634.2).